The following is an entry in ClinVar:

ClinVar aggregate classification (germline): Benign/Likely benign. Review status: criteria provided, multiple submitters, no conflicts (2 of 4 stars). 2 submissions from 2 submitters: Benign (1); Likely benign (1). Last evaluated 2025-05-02.

Conditions:
Hereditary cancer-predisposing syndrome. Also called: Neoplastic Syndromes, Hereditary; Tumor predisposition; Hereditary Cancer Syndrome; Hereditary neoplastic syndrome. Identifiers: Orphanet 140162, MedGen C0027672, MeSH D009386, MONDO:0015356.
Familial cancer of breast. Also called: hereditary breast carcinoma; Hereditary breast cancer; BREAST CANCER, FAMILIAL. Identifiers: Orphanet 227535, MedGen C0346153, MONDO:0016419, OMIM 114480. Disease mechanism: loss of function.

Submissions (2):

Ambry Genetics
Classification: Likely benign for Hereditary cancer-predisposing syndrome. Last evaluated: 2025-05-02. Review status: criteria provided, single submitter. Criteria: Ambry Variant Classification Scheme 2023. Collection method: clinical testing. Allele origin: germline.

Myriad Genetics, Inc.
Classification: Benign for Familial cancer of breast. Last evaluated: 2024-07-29. Review status: criteria provided, single submitter. Criteria: Myriad Autosomal Dominant, Autosomal Recessive and X-Linked Classification Criteria (2023). Collection method: clinical testing. Allele origin: unknown.
Comment: This variant is considered benign. This variant is a silent/synonymous amino acid change and it is not expected to impact splicing.

NM_000465.4(BARD1):c.2007A>G (p.Pro669=)

Gene: BARD1 (BRCA1 associated RING domain 1; minus strand). Cytogenetic location: 2q35.
Variant type: single nucleotide variant.
Coding change: c.2007A>G on transcript NM_000465.4 (MANE Select); coding-DNA position 2007, A replaced by G.
Protein change: p.Pro669=; no amino-acid change (proline 669 retained).
Molecular consequence: synonymous variant. On other transcripts: non-coding transcript variant (3).
Genome position (GRCh38, 1-based): chr2:214,729,003, T>C on the plus strand (A>G on the coding strand, the complement: BARD1 is on the minus strand). VCF-style: chr2-214729003-T-C. GRCh37 (hg19) VCF-style: chr2-215593727-T-C.
Other names: c.1950A>G, p.Pro650= (NM_001282543.2); c.654A>G, p.Pro218= (NM_001282545.2); c.597A>G, p.Pro199= (NM_001282548.2); c.468A>G, p.Pro156= (NM_001282549.2); c.2007A>G (NM_000465.2).
Identifiers: ClinVar variation 3378673 (VCV003378673.2).